The following is an entry in ClinVar:

NM_001145026.2(PTPRQ):c.190G>A (p.Gly64Arg)

Gene: PTPRQ (protein tyrosine phosphatase receptor type Q; plus strand). Cytogenetic location: 12q21.31.
Variant type: single nucleotide variant.
Coding change: c.190G>A on transcript NM_001145026.2 (MANE Select); coding-DNA position 190, G replaced by A.
Protein change: p.Gly64Arg; replaces glycine 64 with arginine.
Molecular consequence: missense variant.
Genome position (GRCh38, 1-based): chr12:80,445,517, G>A. VCF-style: chr12-80445517-G-A. GRCh37 (hg19) VCF-style: chr12-80839297-G-A.
Other names: short protein forms G64R.
Identifiers: ClinVar variation 4526931 (VCV004526931.2).

ClinVar aggregate classification (germline): Uncertain significance. Review status: criteria provided, multiple submitters, no conflicts (2 of 4 stars). 2 submissions from 2 submitters: Uncertain significance (2). Last evaluated 2025-12-23.

gnomAD v4.1: 51 of 1,545,488 alleles (0.0033%); highest among the groups gnomAD compares: East Asian, 0.0098%; no homozygotes.

Submissions (2):

Women's Health and Genetics/Laboratory Corporation of America, LabCorp
Classification: Uncertain significance. Last evaluated: 2025-12-23. Review status: criteria provided, single submitter. Criteria: LabCorp Variant Classification Summary - May 2015. Collection method: clinical testing. Allele origin: germline.
Comment: Variant summary: PTPRQ c.190G>A (p.Gly64Arg) results in a non-conservative amino acid change in the encoded protein sequence. Algorithms developed to predict the effect of missense changes on protein structure and function are either unavailable or do not agree on the potential impact of this missense change. The variant allele was found at a frequency of 1.3e-05 in 149898 control chromosomes. The available data on variant occurrences in the general population are insufficient to allow any conclusion about variant significance. To our knowledge, no occurrence of c.190G>A in individuals affected with PTPRQ-related conditions and no experimental evidence demonstrating its impact on protein function have been reported. ClinVar contains an entry for this variant (Variation ID: 4526931). Based on the evidence outlined above, the variant was classified as uncertain significance.

GeneDx
Classification: Uncertain significance. Last evaluated: 2025-04-30. Review status: criteria provided, single submitter. Criteria: GeneDx Variant Classification Process June 2021. Collection method: clinical testing. Allele origin: germline. Affected: yes.
Comment: Not observed at significant frequency in large population cohorts (gnomAD); In silico analysis supports that this missense variant has a deleterious effect on protein structure/function; Has not been previously published as pathogenic or benign to our knowledge